The following is an entry in ClinVar:

NM_018127.7(ELAC2):c.1630G>T (p.Val544Leu)

Gene: ELAC2 (elaC ribonuclease Z 2; minus strand). Cytogenetic location: 17p12.
Variant type: single nucleotide variant.
Coding change: c.1630G>T on transcript NM_018127.7 (MANE Select); coding-DNA position 1630, G replaced by T.
Protein change: p.Val544Leu; replaces valine 544 with leucine.
Molecular consequence: missense variant.
Genome position (GRCh38, 1-based): chr17:12,996,576, C>A on the plus strand (G>T on the coding strand, the complement: ELAC2 is on the minus strand). VCF-style: chr17-12996576-C-A. GRCh37 (hg19) VCF-style: chr17-12899893-C-A.
Other names: c.1510G>T, p.Val504Leu (NM_001165962.2); c.1627G>T, p.Val543Leu (NM_173717.2); short protein forms V544L, V504L, V543L.
Identifiers: ClinVar variation 1965684 (VCV001965684.5), dbSNP rs953832708, ClinGen allele CA398223885.

ClinVar aggregate classification (germline): Uncertain significance (1 of 4 stars; one submission).

Conditions:
Combined oxidative phosphorylation defect type 17. Also called: Combined oxidative phosphorylation deficiency 17. Identifiers: Orphanet 369913, MedGen C3809526, MONDO:0014190, OMIM 615440.

gnomAD v4.1: 1 of 1,614,034 alleles (0.000062%); highest among the groups gnomAD compares: Non-Finnish European, 0.000085%; no homozygotes.

Submission:

Labcorp Genetics (formerly Invitae), Labcorp
Classification: Uncertain significance for Combined oxidative phosphorylation defect type 17. Last evaluated: 2022-06-13. Review status: criteria provided, single submitter. Criteria: Invitae Variant Classification Sherloc (09022015). Collection method: clinical testing. Allele origin: germline.
Comment: In summary, the available evidence is currently insufficient to determine the role of this variant in disease. Therefore, it has been classified as a Variant of Uncertain Significance. Algorithms developed to predict the effect of missense changes on protein structure and function (SIFT, PolyPhen-2, Align-GVGD) all suggest that this variant is likely to be tolerated. This variant has not been reported in the literature in individuals affected with ELAC2-related conditions. This variant is not present in population databases (gnomAD no frequency). This sequence change replaces valine, which is neutral and non-polar, with leucine, which is neutral and non-polar, at codon 544 of the ELAC2 protein (p.Val544Leu).